The following is an entry in ClinVar:

ClinVar aggregate classification (germline): Uncertain significance (1 of 4 stars; one submission).

Conditions:
Epidermolysis bullosa simplex with nail dystrophy (EBS5D). Identifiers: MedGen C4225309, MONDO:0014661, OMIM 616487.
Epidermolysis bullosa simplex, Ogna type (EBS5A). Also called: EPIDERMOLYSIS BULLOSA SIMPLEX 5A, OGNA TYPE; Pidermolysis bullosa simplex 5A, Ogna type. Identifiers: Orphanet 79401, MedGen C0432317, MONDO:0007555, OMIM 131950.
Autosomal recessive limb-girdle muscular dystrophy type 2Q (LGMDR17). Also called: MUSCULAR DYSTROPHY, LIMB-GIRDLE, AUTOSOMAL RECESSIVE 17. Identifiers: Orphanet 254361, MedGen C3150989, MONDO:0013390, OMIM 613723.
Epidermolysis bullosa simplex 5B, with muscular dystrophy (EBS5B). Also called: EPIDERMOLYSIS BULLOSA SIMPLEX AND LIMB-GIRDLE MUSCULAR DYSTROPHY; Epidermolysis bullosa simplex with muscular dystrophy. Identifiers: Orphanet 257, MedGen C2931072, MONDO:0009181, OMIM 226670.
Epidermolysis bullosa simplex 5C, with pyloric atresia (EBS5C). Also called: PLEC-Related Epidermolysis Bullosa with Pyloric Atresia; Epidermolysis bullosa simplex with pyloric atresia; PLEC1-Related Epidermolysis Bullosa with Pyloric Atresia. Identifiers: Orphanet 158684, MedGen C2677349, MONDO:0012807, OMIM 612138.

gnomAD v4.1: 4 of 1,573,868 alleles (0.00025%); highest among the groups gnomAD compares: African/African-American, 0.0013%; no homozygotes.

Submission:

Labcorp Genetics (formerly Invitae), Labcorp
Classification: Uncertain significance for Autosomal recessive limb-girdle muscular dystrophy type 2Q; Epidermolysis bullosa simplex, Ogna type; Epidermolysis bullosa simplex with nail dystrophy; Epidermolysis bullosa simplex 5C, with pyloric atresia; Epidermolysis bullosa simplex 5B, with muscular dystrophy. Last evaluated: 2025-02-13. Review status: criteria provided, single submitter. Criteria: Invitae Variant Classification Sherloc (09022015). Collection method: clinical testing. Allele origin: germline.
Comment: This sequence change replaces alanine, which is neutral and non-polar, with valine, which is neutral and non-polar, at codon 1610 of the PLEC protein (p.Ala1610Val). This variant is not present in population databases (gnomAD no frequency). This variant has not been reported in the literature in individuals affected with PLEC-related conditions. Experimental studies and prediction algorithms are not available or were not evaluated, and the functional significance of this variant is currently unknown. In summary, the available evidence is currently insufficient to determine the role of this variant in disease. Therefore, it has been classified as a Variant of Uncertain Significance.

NM_201384.3(PLEC):c.4748C>T (p.Ala1583Val)

Gene: PLEC (plectin; minus strand). Cytogenetic location: 8q24.3.
Variant type: single nucleotide variant.
Coding change: c.4748C>T on transcript NM_201384.3 (MANE Select); coding-DNA position 4748, C replaced by T.
Protein change: p.Ala1583Val; replaces alanine 1583 with valine.
Molecular consequence: missense variant. On other transcripts: intron variant (1).
Genome position (GRCh38, 1-based): chr8:143,925,181, G>A on the plus strand (C>T on the coding strand, the complement: PLEC is on the minus strand). VCF-style: chr8-143925181-G-A. GRCh37 (hg19) VCF-style: chr8-144999349-G-A.
Other names: c.4829C>T, p.Ala1610Val (NM_000445.5); c.4706C>T, p.Ala1569Val (NM_201378.4); c.4682C>T, p.Ala1561Val (NM_201379.3); c.5159C>T, p.Ala1720Val (NM_201380.4); c.4652C>T, p.Ala1551Val (NM_201381.3); c.4748C>T, p.Ala1583Val (NM_201382.4); c.4760C>T, p.Ala1587Val (NM_201383.3); c.4125+1603C>T (NM_001410941.1); short protein forms A1583V, A1587V, A1610V, A1551V, A1569V, A1561V, A1720V.
Identifiers: ClinVar variation 4787829 (VCV004787829.1).
Genomic context (GRCh38, chr8:143,925,181, plus strand): 5'-ACAGCCACGTGTTCCTCCTGCAGGGAGCGCTCCAGCTGTGCCGTCTTCTCGGCGAAGGAG[G>A]CGCGTTTGCTCTGCAGCTCCGCCTCTGCACTGCGCTGCGCCGTCTCCAGGGCCACCTGTA-3'
Protein context (NP_958786.1, residues 1573-1593): SAEAELQSKR[Ala1583Val]SFAEKTAQLE